The following is an entry in ClinVar:

ClinVar aggregate classification (germline): Benign/Likely benign. Review status: criteria provided, multiple submitters, no conflicts (2 of 4 stars). 4 submissions from 4 submitters: Benign (2); Likely benign (1). 1 of the submissions does not count toward it. Last evaluated 2026-09-01.

Conditions:
ZMYM2-related disorder. Also called: ZMYM2-related condition.

Allele frequency attached by ClinVar (database versions not stated): gnomAD 0.00083 and 0.00109; ESP Exome Variant Server 0.00101; TOPMed 0.00110; 1000 Genomes Project 30x 0.00125; 1000 Genomes Project 0.00160; gnomAD exomes 0.00188; ExAC 0.00208.
gnomAD v4.1: 2,050 of 1,613,910 alleles (0.13%); highest among the groups gnomAD compares: Middle Eastern, 3.8%; 22 homozygotes.

Submissions (4):

CeGaT Center for Human Genetics Tuebingen
Classification: Likely benign. Last evaluated: 2026-09-01. Review status: criteria provided, single submitter. Criteria: CeGaT Center For Human Genetics Tuebingen Variant Classification Criteria Version 2. Collection method: clinical testing. Allele origin: germline. Affected: yes. Observed: 11 variant alleles.
Comment: ZMYM2: BP4, BP7, BS1

Labcorp Genetics (formerly Invitae), Labcorp
Classification: Benign. Last evaluated: 2019-12-31. Review status: criteria provided, single submitter. Criteria: Invitae Variant Classification Sherloc (09022015). Collection method: clinical testing. Allele origin: germline.

Breakthrough Genomics
Classification: Benign. Review status: criteria provided, single submitter. Criteria: ACMG Guidelines, 2015. Collection method: not provided. Allele origin: germline. Inheritance: Autosomal dominant inheritance. Affected: yes.

PreventionGenetics, part of Exact Sciences
Classification: Likely benign for ZMYM2-related condition. Last evaluated: 2024-07-03. Review status: no assertion criteria provided. Collection method: clinical testing. Allele origin: germline. Not counted in ClinVar's aggregate classification.
Comment: This variant is classified as likely benign based on ACMG/AMP sequence variant interpretation guidelines (Richards et al. 2015 PMID: 25741868, with internal and published modifications).

NM_197968.4(ZMYM2):c.3768C>T (p.Asn1256=)

Gene: ZMYM2 (zinc finger MYM-type containing 2; plus strand). Cytogenetic location: 13q12.11.
Variant type: single nucleotide variant.
Coding change: c.3768C>T on transcript NM_197968.4 (MANE Select); coding-DNA position 3768, C replaced by T.
Protein change: p.Asn1256=; no amino-acid change (asparagine 1256 retained).
Molecular consequence: synonymous variant. On other transcripts: non-coding transcript variant (1).
Genome position (GRCh38, 1-based): chr13:20,082,980, C>T. VCF-style: chr13-20082980-C-T. GRCh37 (hg19) VCF-style: chr13-20657120-C-T.
Other names: c.3768C>T, p.Asn1256= (NM_001190964.4, NM_001190965.4, NM_001353157.2 and 4 more transcripts); c.3573C>T, p.Asn1191= (NM_001353161.3); c.3507C>T, p.Asn1169= (NM_001353163.2); c.3768C>T (NM_197968.3).
Identifiers: ClinVar variation 788799 (VCV000788799.29), dbSNP rs139017565, ClinGen allele CA6903888.